The following is an entry in ClinVar:

NM_001737.5(C9):c.1201A>G (p.Asn401Asp)

Gene: C9 (complement C9; minus strand). Cytogenetic location: 5p13.1.
Variant type: single nucleotide variant.
Coding change: c.1201A>G on transcript NM_001737.5 (MANE Select); coding-DNA position 1201, A replaced by G.
Protein change: p.Asn401Asp; replaces asparagine 401 with aspartic acid.
Molecular consequence: missense variant.
Genome position (GRCh38, 1-based): chr5:39,308,269, T>C on the plus strand (A>G on the coding strand, the complement: C9 is on the minus strand). VCF-style: chr5-39308269-T-C. GRCh37 (hg19) VCF-style: chr5-39308371-T-C.
Other names: short protein forms N401D.
Identifiers: ClinVar variation 1499039 (VCV001499039.6), dbSNP rs1319236276, ClinGen allele CA359554403.

ClinVar aggregate classification (germline): Uncertain significance (1 of 4 stars; one submission).

Allele frequency attached by ClinVar (database versions not stated): gnomAD 0.00001; TOPMed 0.00001.
gnomAD v4.1: 1 of 1,612,804 alleles (0.000062%); highest among the groups gnomAD compares: Non-Finnish European, 0.000085%; no homozygotes.

Submission:

Labcorp Genetics (formerly Invitae), Labcorp
Classification: Uncertain significance. Last evaluated: 2022-08-23. Review status: criteria provided, single submitter. Criteria: Invitae Variant Classification Sherloc (09022015). Collection method: clinical testing. Allele origin: germline.
Comment: In summary, the available evidence is currently insufficient to determine the role of this variant in disease. Therefore, it has been classified as a Variant of Uncertain Significance. Algorithms developed to predict the effect of missense changes on protein structure and function output the following: SIFT: "Not Available"; PolyPhen-2: "Benign"; Align-GVGD: "Not Available". The aspartic acid amino acid residue is found in multiple mammalian species, which suggests that this missense change does not adversely affect protein function. ClinVar contains an entry for this variant (Variation ID: 1499039). This variant has not been reported in the literature in individuals affected with C9-related conditions. This variant is not present in population databases (gnomAD no frequency). This sequence change replaces asparagine with aspartic acid at codon 401 of the C9 protein (p.Asn401Asp). The asparagine residue is moderately conserved and there is a small physicochemical difference between asparagine and aspartic acid.